The following is an entry in ClinVar:

NM_173842.3(IL1RN):c.*1039C>T

Gene: IL1RN (interleukin 1 receptor antagonist; plus strand). Cytogenetic location: 2q14.1.
Variant type: single nucleotide variant.
Coding change: c.*1039C>T on transcript NM_173842.3 (MANE Select); 1039 bases downstream of the stop codon, C replaced by T.
Molecular consequence: 3 prime UTR variant.
Genome position (GRCh38, 1-based): chr2:113,133,910, C>T. VCF-style: chr2-113133910-C-T. GRCh37 (hg19) VCF-style: chr2-113891487-C-T.
Other names: c.*1039C>T (NM_000577.5, NM_001318914.2, NM_001379360.1 and 2 more transcripts).
Identifiers: ClinVar variation 330846 (VCV000330846.5), dbSNP rs559281814, ClinGen allele CA10611867.

ClinVar aggregate classification (germline): Likely benign (1 of 4 stars; one submission).

Conditions:
Sterile multifocal osteomyelitis with periostitis and pustulosis. Also called: CHRONIC RECURRENT MULTIFOCAL OSTEOMYELITIS 2, WITH PERIOSTITIS AND PUSTULOSIS. Identifiers: Orphanet 210115, MedGen C2748507, MONDO:0013021, OMIM 612852.

Allele frequency attached by ClinVar (database versions not stated): gnomAD 0.00004 and 0.00057; TOPMed 0.00014; 1000 Genomes Project 30x 0.00219; 1000 Genomes Project 0.00240.

Submission:

Illumina Laboratory Services, Illumina
Classification: Likely benign for Sterile multifocal osteomyelitis with periostitis and pustulosis. Last evaluated: 2018-01-13. Review status: criteria provided, single submitter. Criteria: ICSL Variant Classification Criteria 13 December 2019. Collection method: clinical testing. Allele origin: germline.
Comment: This variant was observed in the ICSL laboratory as part of a predisposition screen in an ostensibly healthy population. It had not been previously curated by ICSL or reported in the Human Gene Mutation Database (HGMD: prior to June 1st, 2018), and was therefore a candidate for classification through an automated scoring system. Utilizing variant allele frequency, disease prevalence and penetrance estimates, and inheritance mode, an automated score was calculated to assess if this variant is too frequent to cause the disease. Based on the score and internal cut-off values, a variant classified as likely benign is not then subjected to further curation. The score for this variant resulted in a classification of likely benign for this disease.